The following is an entry in ClinVar:

NM_001082971.2(DDC):c.183G>T (p.Glu61Asp)

Gene: DDC (dopa decarboxylase; minus strand). Cytogenetic location: 7p12.1.
Variant type: single nucleotide variant.
Coding change: c.183G>T on transcript NM_001082971.2 (MANE Select); coding-DNA position 183, G replaced by T.
Protein change: p.Glu61Asp; replaces glutamic acid 61 with aspartic acid.
Molecular consequence: missense variant.
Genome position (GRCh38, 1-based): chr7:50,543,903, C>A on the plus strand (G>T on the coding strand, the complement: DDC is on the minus strand). VCF-style: chr7-50543903-C-A. GRCh37 (hg19) VCF-style: chr7-50611601-C-A.
Other names: c.183G>T, p.Glu61Asp (NM_000790.4, NM_001242886.2, NM_001242887.2 and 3 more transcripts); short protein forms E61D.
Identifiers: ClinVar variation 235306 (VCV000235306.17), dbSNP rs11575292, ClinGen allele CA4262475.

ClinVar aggregate classification (germline): Benign/Likely benign. Review status: criteria provided, multiple submitters, no conflicts (2 of 4 stars). 4 submissions from 4 submitters: Benign (2); Likely benign (2). Last evaluated 2026-02-03.

Conditions:
Deficiency of aromatic-L-amino-acid decarboxylase. Also called: Aromatic L-Amino Acid Decarboxylase Deficiency; Aromatic amino acid decarboxylase deficiency; AADC DEFICIENCY; DDC DEFICIENCY; DOPA DECARBOXYLASE DEFICIENCY. Identifiers: Orphanet 35708, MedGen C1291564, MONDO:0012084, OMIM 608643.

Allele frequency attached by ClinVar (database versions not stated): gnomAD exomes 0.00048 and 0.00121; ExAC 0.00145; gnomAD 0.00411; ESP Exome Variant Server 0.00507; TOPMed 0.00521; 1000 Genomes Project 0.00679; 1000 Genomes Project 30x 0.00687.
gnomAD v4.1: 1,452 of 1,614,176 alleles (0.09%); highest among the groups gnomAD compares: African/African-American, 1.8%; 13 homozygotes.

Submissions (4):

Labcorp Genetics (formerly Invitae), Labcorp
Classification: Benign for Deficiency of aromatic-L-amino-acid decarboxylase. Last evaluated: 2026-02-03. Review status: criteria provided, single submitter. Criteria: Invitae Variant Classification Sherloc (09022015). Collection method: clinical testing. Allele origin: germline.

Illumina Laboratory Services, Illumina
Classification: Benign for Deficiency of aromatic-L-amino-acid decarboxylase. Last evaluated: 2017-04-27. Review status: criteria provided, single submitter. Criteria: ICSL Variant Classification Criteria 13 December 2019. Collection method: clinical testing. Allele origin: germline.
Comment: This variant was observed as part of a predisposition screen in an ostensibly healthy population. A literature search was performed for the gene, cDNA change, and amino acid change (where applicable). No publications were found based on this search. Allele frequency data from public databases was too high to be consistent with this variant causing disease. Therefore, this variant is classified as benign.

Center for Pediatric Genomic Medicine, Children's Mercy Hospital and Clinics
Classification: Likely benign. Last evaluated: 2015-08-26. Review status: criteria provided, single submitter. Criteria: ACMG Guidelines, 2015. Collection method: clinical testing. Allele origin: germline.
ClinVar note: Converted during submission from Likely Benign to Likely benign.

Breakthrough Genomics
Classification: Likely benign. Review status: criteria provided, single submitter. Criteria: ACMG Guidelines, 2015. Collection method: not provided. Allele origin: germline. Inheritance: Autosomal recessive inheritance. Affected: yes.